The following is an entry in ClinVar:

NM_001303.4(COX10):c.1096G>T (p.Val366Leu)

Gene: COX10 (cytochrome c oxidase assembly factor heme A:farnesyltransferase COX10; plus strand). Cytogenetic location: 17p12.
Variant type: single nucleotide variant.
Coding change: c.1096G>T on transcript NM_001303.4 (MANE Select); coding-DNA position 1096, G replaced by T.
Protein change: p.Val366Leu; replaces valine 366 with leucine.
Molecular consequence: missense variant.
Genome position (GRCh38, 1-based): chr17:14,206,977, G>T. VCF-style: chr17-14206977-G-T. GRCh37 (hg19) VCF-style: chr17-14110294-G-T.
Other names: p.V366L:GTG>TTG; p.Val366Leu; short protein forms V366L.
Identifiers: ClinVar variation 137002 (VCV000137002.39), dbSNP rs111541535, ClinGen allele CA290464.

ClinVar aggregate classification (germline): Conflicting classifications of pathogenicity. Review status: criteria provided, conflicting classifications (1 of 4 stars). 7 submissions from 6 submitters: Uncertain significance (1); Benign (5); Likely benign (1). Last evaluated 2026-08-01.

Conditions:
Mitochondrial complex IV deficiency, nuclear type 3. Also called: Mitochondrial complex 4 deficiency, nuclear type 3. Identifiers: MedGen C5436682, MONDO:0033635, OMIM 619046.
Leigh syndrome (NULS). Also called: Leigh Syndrome (mtDNA deletion); Leigh's syndrome; Leigh's necrotizing encephalopathy; Leigh's disease; Leigh Disease; Subacute necrotizing encephalopathy. Identifiers: Orphanet 506, MedGen C2931891, MONDO:0009723, OMIM 256000.
Mitochondrial complex IV deficiency, nuclear type 1 (MC4DN1). Also called: COX DEFICIENCY; Mitochondrial complex IV deficiency; Complex 4 mitochondrial respiratory chain deficiency; Deficiency of mitochondrial respiratory chain complex4; Complex IV deficiency. Identifiers: MedGen C5435656, MONDO:0700250, OMIM 220110. Disease mechanism: loss of function.

Allele frequency attached by ClinVar (database versions not stated): 1000 Genomes Project 30x 0.00390; 1000 Genomes Project 0.00439; TOPMed 0.01277; ESP Exome Variant Server 0.01292.
gnomAD v4.1: 18,000 of 1,614,018 alleles (1.1%); highest among the groups gnomAD compares: African/African-American, 1.4%; 120 homozygotes.

Submissions (16):

CeGaT Center for Human Genetics Tuebingen
Classification: Benign. Last evaluated: 2026-08-01. Review status: criteria provided, single submitter. Criteria: CeGaT Center For Human Genetics Tuebingen Variant Classification Criteria Version 2. Collection method: clinical testing. Allele origin: germline. Affected: yes. Observed: 13 variant alleles.
Comment: COX10: BP4, BS1, BS2

Labcorp Genetics (formerly Invitae), Labcorp
Classification: Benign. Last evaluated: 2026-02-01. Review status: criteria provided, single submitter. Criteria: Invitae Variant Classification Sherloc (09022015). Collection method: clinical testing. Allele origin: germline.

ARUP Laboratories, Molecular Genetics and Genomics, ARUP Laboratories
Classification: Benign for Mitochondrial complex IV deficiency, nuclear type 3. Last evaluated: 2023-09-12. Review status: criteria provided, single submitter. Criteria: ARUP Molecular Germline Variant Investigation Process 2024. Collection method: clinical testing. Allele origin: germline.

Mayo Clinic Laboratories, Mayo Clinic
Classification: Benign. Last evaluated: 2022-08-04. Review status: criteria provided, single submitter. Criteria: ACMG Guidelines, 2015. Collection method: clinical testing. Allele origin: germline. Observed: 65 variant alleles.
Comment: BS1, BS2

Illumina Laboratory Services, Illumina
Classification: Likely benign for Leigh syndrome. Last evaluated: 2018-01-12. Review status: criteria provided, single submitter. Criteria: ICSL Variant Classification Criteria 13 December 2019. Collection method: clinical testing. Allele origin: germline.
Comment: This variant was observed in the ICSL laboratory as part of a predisposition screen in an ostensibly healthy population. It had not been previously curated by ICSL or reported in the Human Gene Mutation Database (HGMD: prior to June 1st, 2018), and was therefore a candidate for classification through an automated scoring system. Utilizing variant allele frequency, disease prevalence and penetrance estimates, and inheritance mode, an automated score was calculated to assess if this variant is too frequent to cause the disease. Based on the score and internal cut-off values, a variant classified as likely benign is not then subjected to further curation. The score for this variant resulted in a classification of likely benign for this disease.

Illumina Laboratory Services, Illumina
Classification: Uncertain significance for Mitochondrial complex IV deficiency, nuclear type 1. Last evaluated: 2018-01-12. Review status: criteria provided, single submitter. Criteria: ICSL Variant Classification Criteria 13 December 2019. Collection method: clinical testing. Allele origin: germline.

GeneDx
Classification: Benign. Last evaluated: 2013-07-30. Review status: criteria provided, single submitter. Criteria: GeneDx Variant Classification (06012015). Collection method: clinical testing. Allele origin: germline. Affected: yes.
Comment: This variant is considered likely benign or benign based on one or more of the following criteria: it is a conservative change, it occurs at a poorly conserved position in the protein, it is predicted to be benign by multiple in silico algorithms, and/or has population frequency not consistent with disease.

Dr. Peter K. Rogan Lab, Western University
No classification provided (evidence only). Condition: Lung cancer. Review status: no classification provided. Collection method: in vitro. Allele origin: not applicable. Functional consequence: retained intron. Not counted in ClinVar's aggregate classification.

Dr. Peter K. Rogan Lab, Western University
No classification provided (evidence only). Condition: Melanoma. Review status: no classification provided. Collection method: in vitro. Allele origin: not applicable. Functional consequence: retained intron. Not counted in ClinVar's aggregate classification.

Dr. Peter K. Rogan Lab, Western University
No classification provided (evidence only). Condition: Melanoma. Review status: no classification provided. Collection method: in vitro. Allele origin: not applicable. Functional consequence: retained intron. Not counted in ClinVar's aggregate classification.

Dr. Peter K. Rogan Lab, Western University
No classification provided (evidence only). Condition: Acute myeloid leukemia. Review status: no classification provided. Collection method: in vitro. Allele origin: not applicable. Functional consequence: retained intron. Not counted in ClinVar's aggregate classification.

Dr. Peter K. Rogan Lab, Western University
No classification provided (evidence only). Condition: Thyroid cancer, nonmedullary, 1. Review status: no classification provided. Collection method: in vitro. Allele origin: not applicable. Functional consequence: retained intron. Not counted in ClinVar's aggregate classification.

Dr. Peter K. Rogan Lab, Western University
No classification provided (evidence only). Condition: Cervical cancer. Review status: no classification provided. Collection method: in vitro. Allele origin: not applicable. Functional consequence: retained intron. Not counted in ClinVar's aggregate classification.

Dr. Peter K. Rogan Lab, Western University
No classification provided (evidence only). Condition: Cervical cancer. Review status: no classification provided. Collection method: in vitro. Allele origin: not applicable. Functional consequence: retained intron. Not counted in ClinVar's aggregate classification.

Dr. Peter K. Rogan Lab, Western University
No classification provided (evidence only). Condition: Sarcoma. Review status: no classification provided. Collection method: in vitro. Allele origin: not applicable. Functional consequence: retained intron. Not counted in ClinVar's aggregate classification.

Dr. Peter K. Rogan Lab, Western University
No classification provided (evidence only). Condition: Ovarian serous cystadenocarcinoma. Review status: no classification provided. Collection method: in vitro. Allele origin: not applicable. Functional consequence: retained intron. Not counted in ClinVar's aggregate classification.

Literature cited by the submitters: PubMed 22592081 (cited by Mayo Clinic Laboratories, Mayo Clinic).